The following is an entry in ClinVar:

NM_000536.4(RAG2):c.1247G>T (p.Trp416Leu)

Gene: RAG2 (recombination activating 2; minus strand). Cytogenetic location: 11p12.
Variant type: single nucleotide variant.
Coding change: c.1247G>T on transcript NM_000536.4 (MANE Select); coding-DNA position 1247, G replaced by T.
Protein change: p.Trp416Leu; replaces tryptophan 416 with leucine.
Molecular consequence: missense variant.
Genome position (GRCh38, 1-based): chr11:36,592,922, C>A on the plus strand (G>T on the coding strand, the complement: RAG2 is on the minus strand). VCF-style: chr11-36592922-C-A. GRCh37 (hg19) VCF-style: chr11-36614472-C-A.
Other names: NM_000536.4(RAG2):c.1247G>T; c.1247G>T, p.Trp416Leu (NM_001243785.2, NM_001243786.2); c.1247G>T (NM_001243786.1); short protein forms W416L.
Identifiers: ClinVar variation 36717 (VCV000036717.21), dbSNP rs193922572, ClinGen allele CA214212.

ClinVar aggregate classification (germline): Likely pathogenic. Review status: reviewed by expert panel (3 of 4 stars). 9 submissions from 9 submitters: Likely pathogenic (1). 8 of the submissions do not count toward it. Last evaluated 2024-04-01.

Conditions:
RAG2-related disorder. Also called: RAG2-related condition.
Recombinase activating gene 2 deficiency. Also called: RAG2 deficiency. Identifiers: MedGen CN257931, MONDO:0000573.
Inborn error of immunity. Also called: Inborn errors of immunity; Primary immunodeficiency. Identifiers: Orphanet 101997, MedGen C0398686, MONDO:0003778.
Histiocytic medullary reticulosis. Also called: SEVERE COMBINED IMMUNODEFICIENCY WITH HYPEREOSINOPHILIA; Omenn syndrome. Identifiers: Orphanet 39041, MedGen C2700553, MONDO:0011338, OMIM 603554.
Severe combined immunodeficiency, autosomal recessive, T cell-negative, B cell-negative, NK cell-positive. Also called: SCID, AR, T-cell negative, B-cell negative, NK cell-positive; Severe combined immunodeficiency due to complete RAG1/2 deficiency; SCID, T CELL-NEGATIVE, B CELL-NEGATIVE, NK CELL-POSITIVE. Identifiers: Orphanet 331206, MedGen C1832322, MONDO:0011086, OMIM 601457.
Combined immunodeficiency with skin granulomas. Identifiers: Orphanet 157949, MedGen C2673536, MONDO:0009306, OMIM 233650.

Allele frequency attached by ClinVar (database versions not stated): gnomAD below 0.00001 and 0.00001; gnomAD exomes 0.00002 and 0.00004; ExAC 0.00005.
gnomAD v4.1: 37 of 1,614,022 alleles (0.0023%); highest among the groups gnomAD compares: South Asian, 0.04%; no homozygotes.

Submissions (9):

ClinGen Severe Combined Immunodeficiency Variant Curation Expert Panel, ClinGen
Classification: Likely pathogenic for Recombinase activating gene 2 deficiency. Last evaluated: 2024-04-01. Review status: reviewed by expert panel. Criteria: ClinGen SCID ACMG Specifications RAG2 V1.0.0. Collection method: curation. Allele origin: germline. Inheritance: Autosomal recessive inheritance.
Comment: The c.1247G>T (NM_000536.4) variant in RAG2 is a missense variant predicted to cause the substitution of Tryptophan by Leucine at amino acid 416 (p.Trp416Leu). The Popmax Filtering AF (95% confidence) in gnomAD v.4 is 0.0002998, based on 36/91078 alleles in the South Asian population. PM2_Supporting (<0.0000588), BS1 (>0.00195), and BA1 (>0.00872) are not met. No homozygotes have been observed in gnomAD (BS2 is not met). This variant is located in the PHD domain, amino acids 414-487 of RAG2, which is defined as a critical functional domain by the ClinGen SCID VCEP (PMID: 26996199); PM1. The variant was found in at least four individuals in the literature, with diagnostic criteria for SCID/Leaky SCID/Omenn syndrome met. All of them are homozygous, reaching 1 point for homozygous occurrence. PM3_Moderate (PMID: 17572155). Diagnostic criteria for SCID/Leaky SCID/Omenn syndrome met 0.5pts + T-B-NK+ lymphocyte subset profile 0.5pts; the total is 1 point, PP4 is met (PMID: 29772310). The recombination activity assay showed activity of this variant compared to wildtype RAG2 is 1.4% (SEM 0.2), which is lower than the SCID VCEP threshold (<25%) for PS3_Moderate, meeting this criterion (PS3_Moderate, PMID 29772310). In summary, this variant meets the criteria to be classified as Likely Pathogenic for autosomal recessive recombinase activating gene 2 deficiency based on the ACMG/AMP criteria applied, as specified by the ClinGen SCID VCEP. Criteria applied: PM1, PM3, PP4, and PS3_Moderate (VCEP specifications version 1.0).

Natera, Inc.
Classification: Likely pathogenic for Omenn syndrome. Last evaluated: 2025-12-17. Review status: criteria provided, single submitter. Criteria: Natera Variant Classification Schema (03/2026). Collection method: clinical testing. Allele origin: germline. Not counted in ClinVar's aggregate classification.
Comment: The c.1247G>T variant in RAG2 is a missense variant predicted to cause substitution of tryptophan to leucine at amino acid 416. This variant is rare in the general population with a frequency below the threshold expected for the associated phenotype(s). This variant has been observed in one or more individuals affected with the associated recessive disease, as either homozygous or compound heterozygous with a second variant (PMID: 16960852, 30778343). This variant has been observed to segregate in affected family members (PMID: 33628209). This variant has been identified in one or more affected individual with a phenotype highly consistent with the associated gene (PMID: 16960852, 30778343). Functional studies show that this variant may disrupt protein function (PMID: 20234091, 29772310). This variant is located in a functionally critical region of the protein. Computational prediction algorithms indicate this variant is likely to affect gene or protein function. Given the available evidence, this variant is classified as Likely Pathogenic.

Labcorp Genetics (formerly Invitae), Labcorp
Classification: Pathogenic for Combined immunodeficiency with skin granulomas; Severe combined immunodeficiency, autosomal recessive, T cell-negative, B cell-negative, NK cell-positive. Last evaluated: 2024-09-15. Review status: criteria provided, single submitter. Criteria: Invitae Variant Classification Sherloc (09022015). Collection method: clinical testing. Allele origin: germline. Not counted in ClinVar's aggregate classification.
Comment: This sequence change replaces tryptophan, which is neutral and slightly polar, with leucine, which is neutral and non-polar, at codon 416 of the RAG2 protein (p.Trp416Leu). This variant is present in population databases (rs193922572, gnomAD 0.04%). This missense change has been observed in individual(s) with severe combined immunodeficiency (PMID: 16960852, 17572155, 30778343). ClinVar contains an entry for this variant (Variation ID: 36717). Invitae Evidence Modeling of protein sequence and biophysical properties (such as structural, functional, and spatial information, amino acid conservation, physicochemical variation, residue mobility, and thermodynamic stability) indicates that this missense variant is expected to disrupt RAG2 protein function with a positive predictive value of 95%. Experimental studies have shown that this missense change affects RAG2 function (PMID: 29772310). For these reasons, this variant has been classified as Pathogenic.

Baylor Genetics
Classification: Pathogenic for Combined immunodeficiency with skin granulomas. Last evaluated: 2024-03-20. Review status: criteria provided, single submitter. Criteria: ACMG Guidelines, 2015. Collection method: clinical testing. Allele origin: unknown. Not counted in ClinVar's aggregate classification.

PreventionGenetics, part of Exact Sciences
Classification: Pathogenic for RAG2-related condition. Last evaluated: 2023-06-13. Review status: criteria provided, single submitter. Criteria: ACMG Guidelines, 2015. Collection method: clinical testing. Allele origin: germline. Not counted in ClinVar's aggregate classification.
Comment: The RAG2 c.1247G>T variant is predicted to result in the amino acid substitution p.Trp416Leu. This variant has been reported in the homozygous state in individuals with Omenn syndrome (Patient 45, Sobacchi et al. 2006. PubMed ID: 16960852; Patient 33, Tirosh et al. 2018. PubMed ID: 29772310; Patient 43, Aluri et al. 2019. PubMed ID: 30778343). Functional analyses have shown that this variant impacts protein function (Couëdel et al. 2010. PubMed ID: 20234091; Notarangelo et al. 2016. PubMed ID: 26996199; Tirosh et al. 2018. PubMed ID: 29772310). This variant is reported in 0.036% of alleles in individuals of South Asian descent in gnomAD. Taken together, we interpret this variant as pathogenic.

Blueprint Genetics
Classification: Likely pathogenic for RAG2-related disorders. Last evaluated: 2021-01-13. Review status: criteria provided, single submitter. Criteria: ACMG Guidelines, 2015. Collection method: clinical testing. Allele origin: germline. Affected: yes. Observed: 5 variant alleles. Not counted in ClinVar's aggregate classification.

Victorian Clinical Genetics Services, Murdoch Childrens Research Institute
Classification: Pathogenic for Histiocytic medullary reticulosis. Last evaluated: 2020-05-21. Review status: criteria provided, single submitter. Criteria: ACMG Guidelines, 2015. Collection method: clinical testing. Allele origin: germline. Inheritance: Autosomal recessive inheritance. Affected: yes. Not counted in ClinVar's aggregate classification.
Comment: Based on the classification scheme VCGS_Germline_v1.1.1, this variant is classified as Pathogenic. Following criteria are met: 0102 - Loss-of-function is a known mechanism of disease for this gene. (N) 0106 - This gene is known to be associated with autosomal recessive disease. (N) 0200 - Variant is predicted to result in a missense amino acid change from tryptophan to leucine (exon 3). (N) 0252 - Variant is homozygous. (N) 0304 - Variant is present in gnomAD <0.01 for a recessive condition (11 Het, 0 Hom). (P) 0501 - Missense variant consistently predicted to be damaging by multiple in-silico tools or highly conserved with a major amino acid change. (P) 0601 - Variant affects at least one well-established (essential) functional domain or motif. It is located on the edge of the PHD domain which has been shown to be essential for protein function and represents a hotspot for previously described variants in the gene (PMID20234091, Decipher) (P) 0802 - Moderate previous evidence of pathogenicity in unrelated individuals. The variant has been described in four independent patients with Omenn Syndrome or SCID, twice in ClinVar and twice in the literature (PMID29772310, Gupta 2017) (P) 1001 - Strong functional evidence supporting abnormal protein function. This variant has been shown to severely impair DH-JH and VK-JK recombination activity, as well as increase protein degradation and affect cytosolic retention (PMID20234091, 29772310) (P) 1101 - Very strong and specific phenotype match. (N)

Pediatric Immunology Service, The Chaim Sheba Medical Center at Tel HaShomer
Classification: Uncertain significance for RAG2 deficiency; Primary immunodeficiency; Omenn syndrome. Last evaluated: 2018-03-06. Review status: criteria provided, single submitter. Criteria: ACMG Guidelines, 2015. Collection method: research. Allele origin: germline. Affected: yes. Not counted in ClinVar's aggregate classification.

Women's Health and Genetics/Laboratory Corporation of America, LabCorp
Classification: Likely pathogenic for SCID/OS. Last evaluated: 2011-08-18. Review status: criteria provided, single submitter. Criteria: LabCorp Variant Classification Summary - May 2015. Collection method: curation, clinical testing. Allele origin: germline. Inheritance: autosomal recessive. Affected: yes. Observed: 4 variant alleles. Not counted in ClinVar's aggregate classification.
ClinVar note: Converted during submission from likely pathogenic to Likely pathogenic.

Literature cited by the submitters: PubMed 16960852 (cited by 4 submitters); PubMed 30778343 (cited by Natera, Inc. and Labcorp Genetics (formerly Invitae), Labcorp); PubMed 33628209 (cited by Natera, Inc.); PubMed 20234091 (cited by 3 submitters); PubMed 29772310 (cited by 3 submitters); PubMed 17572155 (cited by Labcorp Genetics (formerly Invitae), Labcorp and Women's Health and Genetics/Laboratory Corporation of America, LabCorp); PubMed 28970295 (cited by Victorian Clinical Genetics Services, Murdoch Childrens Research Institute); PubMed 18682256 (cited by Women's Health and Genetics/Laboratory Corporation of America, LabCorp); PubMed 18025461 (cited by Women's Health and Genetics/Laboratory Corporation of America, LabCorp); PubMed 11138625 (cited by Women's Health and Genetics/Laboratory Corporation of America, LabCorp); PubMed 19333736 (cited by Women's Health and Genetics/Laboratory Corporation of America, LabCorp).